The following is an entry in ClinVar:

ClinVar aggregate classification (germline): Uncertain significance (1 of 4 stars; one submission).

Conditions:
Retinoblastoma (RB1). Also called: RETINOBLASTOMA, SOMATIC. Identifiers: Orphanet 790, MedGen C0035335, MeSH D012175, MONDO:0008380, OMIM 180200, HP:0009919. Disease mechanism: loss of function. Inheritance: Both sporadic and heritable forms are tested..

Submission:

Labcorp Genetics (formerly Invitae), Labcorp
Classification: Uncertain significance for Retinoblastoma. Last evaluated: 2025-07-10. Review status: criteria provided, single submitter. Criteria: Invitae Variant Classification Sherloc (09022015). Collection method: clinical testing. Allele origin: germline.
Comment: This variant occurs in a non-coding region of the RB1 gene. It does not change the encoded amino acid sequence of the RB1 protein. This variant is not present in population databases (gnomAD no frequency). This variant has not been reported in the literature in individuals affected with RB1-related conditions. Experimental studies and prediction algorithms are not available or were not evaluated, and the functional significance of this variant is currently unknown. In summary, the available evidence is currently insufficient to determine the role of this variant in disease. Therefore, it has been classified as a Variant of Uncertain Significance.

NC_000013.11:g.48303714C>G

Gene: RB1 (RB transcriptional corepressor 1; plus strand). Cytogenetic location: 13q14.2.
Variant type: single nucleotide variant.
Genome position: GRCh38 VCF-style: chr13-48303714-C-G. GRCh37 (hg19) VCF-style: chr13-48877850-C-G.
Identifiers: ClinVar variation 3631208 (VCV003631208.2).
Genomic context (GRCh38, chr13:48,303,714, plus strand): 5'-CGCCCCAGTTCCCCACAGACGCCGGCGGGCCCGGGAGCCTCGCGGACGTGACGCCGCGGG[C>G]GGAAGTGACGTTTTCCCGCGGTTGGACGCGGCGCTCAGTTGCCGGGCGGGGGAGGGCGCG-3'